The following is an entry in ClinVar:

ClinVar aggregate classification (germline): Likely benign (1 of 4 stars; one submission).

Submission:

CeGaT Center for Human Genetics Tuebingen
Classification: Likely benign. Last evaluated: 2023-06-01. Review status: criteria provided, single submitter. Criteria: CeGaT Center For Human Genetics Tuebingen Variant Classification Criteria Version 2. Collection method: clinical testing. Allele origin: germline. Affected: yes. Observed: 1 variant allele.
Comment: MPZ: PM2:Supporting, BP4, BP7

NM_000530.8(MPZ):c.40C>T (p.Leu14=)

Gene: MPZ (myelin protein zero; minus strand). Cytogenetic location: 1q23.3.
Variant type: single nucleotide variant.
Coding change: c.40C>T on transcript NM_000530.8 (MANE Select); coding-DNA position 40, C replaced by T.
Protein change: p.Leu14=; no amino-acid change (leucine 14 retained).
Molecular consequence: synonymous variant.
Genome position (GRCh38, 1-based): chr1:161,309,866, G>A on the plus strand (C>T on the coding strand, the complement: MPZ is on the minus strand). VCF-style: chr1-161309866-G-A. GRCh37 (hg19) VCF-style: chr1-161279656-G-A.
Other names: c.40C>T, p.Leu14= (NM_001315491.2).
Identifiers: ClinVar variation 2639510 (VCV002639510.24), dbSNP rs2102262790, ClinGen allele CA421405910.